The following is an entry in ClinVar:

ClinVar aggregate classification (germline): Uncertain significance. Review status: criteria provided, multiple submitters, no conflicts (2 of 4 stars). 2 submissions from 2 submitters: Uncertain significance (2). Last evaluated 2025-12-09.

Allele frequency attached by ClinVar (database versions not stated): ExAC 0.00004; gnomAD 0.00006; TOPMed 0.00006; gnomAD exomes 0.00007; ESP Exome Variant Server 0.00015.
gnomAD v4.1: 114 of 1,613,416 alleles (0.0071%); highest among the groups gnomAD compares: Middle Eastern, 0.016%; no homozygotes.

Submissions (2):

Labcorp Genetics (formerly Invitae), Labcorp
Classification: Uncertain significance. Last evaluated: 2025-12-09. Review status: criteria provided, single submitter. Criteria: Invitae Variant Classification Sherloc (09022015). Collection method: clinical testing. Allele origin: germline.
Comment: This sequence change replaces valine, which is neutral and non-polar, with isoleucine, which is neutral and non-polar, at codon 2742 of the FBN3 protein (p.Val2742Ile). This variant is present in population databases (rs372313415, gnomAD 0.005%). This variant has not been reported in the literature in individuals affected with FBN3-related conditions. ClinVar contains an entry for this variant (Variation ID: 2056315). Invitae Evidence Modeling of protein sequence and biophysical properties (such as structural, functional, and spatial information, amino acid conservation, physicochemical variation, residue mobility, and thermodynamic stability) indicates that this missense variant is not expected to disrupt FBN3 protein function with a negative predictive value of 80%. In summary, the available evidence is currently insufficient to determine the role of this variant in disease. Therefore, it has been classified as a Variant of Uncertain Significance.

Ambry Genetics
Classification: Uncertain significance. Last evaluated: 2025-08-06. Review status: criteria provided, single submitter. Criteria: Ambry Variant Classification Scheme 2023. Collection method: clinical testing. Allele origin: germline.

NM_032447.5(FBN3):c.8224G>A (p.Val2742Ile)

Gene: FBN3 (fibrillin 3; minus strand). Cytogenetic location: 19p13.2.
Variant type: single nucleotide variant.
Coding change: c.8224G>A on transcript NM_032447.5 (MANE Select); coding-DNA position 8224, G replaced by A.
Protein change: p.Val2742Ile; replaces valine 2742 with isoleucine.
Molecular consequence: missense variant.
Genome position (GRCh38, 1-based): chr19:8,066,125, C>T on the plus strand (G>A on the coding strand, the complement: FBN3 is on the minus strand). VCF-style: chr19-8066125-C-T. GRCh37 (hg19) VCF-style: chr19-8131009-C-T.
Other names: c.8224G>A (NM_032447.3); c.8224G>A, p.Val2742Ile (NM_001321431.2); short protein forms V2742I.
Identifiers: ClinVar variation 2056315 (VCV002056315.5), dbSNP rs372313415, ClinGen allele CA9150592.